The following is an entry in ClinVar:

ClinVar aggregate classification (germline): Uncertain significance. Review status: criteria provided, multiple submitters, no conflicts (2 of 4 stars). 3 submissions from 3 submitters: Uncertain significance (3). Last evaluated 2024-10-08.

Conditions:
Pyruvate dehydrogenase E3-binding protein deficiency (PDHXD). Also called: E3-Binding Protein (Component X) Deficiency; PYRUVATE HYDROGENASE E3-BINDING PROTEIN DEFICIENCY; Lacticacidemia due to PDX1 deficiency; LACTIC ACIDEMIA DUE TO DEFECT IN LIPOYL-CONTAINING COMPONENT X OF THE PYRUVATE DEHYDROGENASE COMPLEX. Identifiers: Orphanet 255182, MedGen C1855553, MONDO:0009503, OMIM 245349.

Allele frequency attached by ClinVar (database versions not stated): gnomAD 0.00009 and 0.00010; TOPMed 0.00009; gnomAD exomes 0.00011; ExAC 0.00013; ESP Exome Variant Server 0.00015.
gnomAD v4.1: 173 of 1,608,782 alleles (0.011%); highest among the groups gnomAD compares: South Asian, 0.06%; no homozygotes.

Submissions (3):

Labcorp Genetics (formerly Invitae), Labcorp
Classification: Uncertain significance. Last evaluated: 2024-10-08. Review status: criteria provided, single submitter. Criteria: Invitae Variant Classification Sherloc (09022015). Collection method: clinical testing. Allele origin: germline.
Comment: This sequence change replaces arginine, which is basic and polar, with glutamine, which is neutral and polar, at codon 181 of the PDHX protein (p.Arg181Gln). This variant is present in population databases (rs148117169, gnomAD 0.05%). This variant has not been reported in the literature in individuals affected with PDHX-related conditions. ClinVar contains an entry for this variant (Variation ID: 1479277). An algorithm developed to predict the effect of missense changes on protein structure and function outputs the following: PolyPhen-2: "Benign". The glutamine amino acid residue is found in multiple mammalian species, which suggests that this missense change does not adversely affect protein function. In summary, the available evidence is currently insufficient to determine the role of this variant in disease. Therefore, it has been classified as a Variant of Uncertain Significance.

Department of Pathology and Laboratory Medicine, Sinai Health System
Classification: Uncertain significance for Pyruvate dehydrogenase E3-binding protein deficiency. Last evaluated: 2022-08-19. Review status: criteria provided, single submitter. Criteria: ACMG Guidelines, 2015. Collection method: research. Allele origin: germline.

Revvity Omics, Revvity
Classification: Uncertain significance for Pyruvate dehydrogenase E3-binding protein deficiency. Last evaluated: 2021-11-22. Review status: criteria provided, single submitter. Criteria: ACMG Guidelines, 2015. Collection method: clinical testing. Allele origin: germline.

NM_003477.3(PDHX):c.542G>A (p.Arg181Gln)

Gene: PDHX (pyruvate dehydrogenase complex component X; plus strand). Cytogenetic location: 11p13.
Variant type: single nucleotide variant.
Coding change: c.542G>A on transcript NM_003477.3 (MANE Select); coding-DNA position 542, G replaced by A.
Protein change: p.Arg181Gln; replaces arginine 181 with glutamine.
Molecular consequence: missense variant. On other transcripts: intron variant (1).
Genome position (GRCh38, 1-based): chr11:34,957,583, G>A. VCF-style: chr11-34957583-G-A. GRCh37 (hg19) VCF-style: chr11-34979130-G-A.
Other names: c.362G>A, p.Arg121Gln (NM_001135024.2); c.342+9977G>A (NM_001166158.2); short protein forms R181Q, R121Q.
Identifiers: ClinVar variation 1479277 (VCV001479277.8), dbSNP rs148117169, ClinGen allele CA5945892.
Genomic context (GRCh38, chr11:34,957,583, plus strand): 5'-CCTCACCAGAACCACAGATTTCCATCCCTGTCAAGAAGGAACACATACCCGGGACACTAC[G>A]GTGAGTATATATTTATTCAAAGGATGATGTAAAAAAAAAAAGTTATGGCAGTTCTTATGG-3'
Protein context (NP_003468.2, residues 171-191): VKKEHIPGTL[Arg181Gln]FRLSPAARNI